The following is an entry in ClinVar:

NM_001351169.2(NT5C2):c.1139A>G (p.His380Arg)

Gene: NT5C2 (5'-nucleotidase, cytosolic II; minus strand). Cytogenetic location: 10q24.32.
Variant type: single nucleotide variant.
Coding change: c.1139A>G on transcript NM_001351169.2 (MANE Select); coding-DNA position 1139, A replaced by G.
Protein change: p.His380Arg; replaces histidine 380 with arginine.
Molecular consequence: missense variant.
Genome position (GRCh38, 1-based): chr10:103,093,159, T>C on the plus strand (A>G on the coding strand, the complement: NT5C2 is on the minus strand). VCF-style: chr10-103093159-T-C. GRCh37 (hg19) VCF-style: chr10-104852916-T-C.
Other names: c.1139A>G, p.His380Arg (NM_001134373.3, NM_012229.5); c.1163A>G, p.His388Arg (NM_001351170.2, NM_001351171.2, NM_001351172.2 and 1 more transcripts); c.1052A>G, p.His351Arg (NM_001351174.1); c.1046A>G, p.His349Arg (NM_001351175.2); c.566A>G, p.His189Arg (NM_001351176.2, NM_001351177.2, NM_001351178.2 and 16 more transcripts); c.425A>G, p.His142Arg (NM_001351194.2, NM_001351195.2, NM_001351196.2); short protein forms H380R, H142R, H388R, H189R, H349R, H351R.
Identifiers: ClinVar variation 643613 (VCV000643613.7), dbSNP rs138513368, ClinGen allele CA5670858.
Genomic context (GRCh38, chr10:103,093,159, plus strand): 5'-TTTAGATATAAATTACACCAAAGATTTATGAATGGCTTACAACTCTTGTCAGTCCAGACA[T>C]GTAGCTCCTGTGCGAGTTCAGGAATCACCAAAAAAGTTCGCCACCCTTGCCGTTTCTTTG-3'
Protein context (NP_001338098.1, residues 370-390): LVIPELAQEL[His380Arg]VWTDKSSLFE

ClinVar aggregate classification (germline): Uncertain significance. Review status: criteria provided, multiple submitters, no conflicts (2 of 4 stars). 2 submissions from 2 submitters: Uncertain significance (2). Last evaluated 2024-01-23.

Conditions:
Hereditary spastic paraplegia 45. Also called: SPASTIC PARAPLEGIA 45; Spastic paraplegia 45, autosomal recessive. Identifiers: Orphanet 320396, MedGen C3888209, MONDO:0013165, OMIM 613162.

Allele frequency attached by ClinVar (database versions not stated): gnomAD exomes 0.00001 and 0.00003; ExAC 0.00004; gnomAD 0.00009 and 0.00011; TOPMed 0.00012; ESP Exome Variant Server 0.00015.
gnomAD v4.1: 35 of 1,607,794 alleles (0.0022%); highest among the groups gnomAD compares: African/African-American, 0.031%; no homozygotes.

Submissions (2):

Blueprint Genetics
Classification: Uncertain significance. Last evaluated: 2024-01-23. Review status: criteria provided, single submitter. Criteria: ACMG Guidelines, 2015. Collection method: clinical testing. Allele origin: germline.

Labcorp Genetics (formerly Invitae), Labcorp
Classification: Uncertain significance for Hereditary spastic paraplegia 45. Last evaluated: 2022-06-28. Review status: criteria provided, single submitter. Criteria: Invitae Variant Classification Sherloc (09022015). Collection method: clinical testing. Allele origin: germline.
Comment: This sequence change replaces histidine, which is basic and polar, with arginine, which is basic and polar, at codon 380 of the NT5C2 protein (p.His380Arg). This variant is present in population databases (rs138513368, gnomAD 0.03%). This variant has not been reported in the literature in individuals affected with NT5C2-related conditions. ClinVar contains an entry for this variant (Variation ID: 643613). Algorithms developed to predict the effect of missense changes on protein structure and function (SIFT, PolyPhen-2, Align-GVGD) all suggest that this variant is likely to be tolerated. In summary, the available evidence is currently insufficient to determine the role of this variant in disease. Therefore, it has been classified as a Variant of Uncertain Significance.